The following is an entry in ClinVar:

ClinVar aggregate classification (germline): Conflicting classifications of pathogenicity. Review status: criteria provided, conflicting classifications (1 of 4 stars). 15 submissions from 15 submitters: Uncertain significance (1); Benign (2); Likely benign (9). 3 of the submissions do not count toward it. Last evaluated 2026-01-22.

Conditions:
ATM-related disorder. Also called: ATM-related disorders; ATM-related condition.
Breast and/or ovarian cancer. Identifiers: MedGen CN221562.
Hereditary cancer-predisposing syndrome. Also called: Tumor predisposition; Neoplastic Syndromes, Hereditary; Hereditary neoplastic syndrome; Hereditary Cancer Syndrome. Identifiers: Orphanet 140162, MedGen C0027672, MeSH D009386, MONDO:0015356.
Familial cancer of breast. Also called: BREAST CANCER, FAMILIAL; hereditary breast carcinoma; Hereditary breast cancer. Identifiers: Orphanet 227535, MedGen C0346153, MONDO:0016419, OMIM 114480. Disease mechanism: loss of function.
Ataxia-telangiectasia syndrome (AT). Also called: LOUIS-BAR SYNDROME; Ataxia-telangiectasia, complementation group D; AT, COMPLEMENTATION GROUP C; ATAXIA-TELANGIECTASIA, COMPLEMENTATION GROUP A; ATAXIA-TELANGIECTASIA, FRESNO VARIANT; Ataxia-telangiectasia. Identifiers: Orphanet 100, MedGen C0004135, MONDO:0008840, OMIM 208900.

Allele frequency attached by ClinVar (database versions not stated): gnomAD exomes 0.00004 and 0.00010; gnomAD 0.00009 and 0.00011; TOPMed 0.00009; ExAC 0.00011.
gnomAD v4.1: 65 of 1,613,892 alleles (0.004%); highest among the groups gnomAD compares: Admixed American, 0.032%; no homozygotes.

Submissions (15):

Labcorp Genetics (formerly Invitae), Labcorp
Classification: Likely benign for Ataxia-telangiectasia syndrome. Last evaluated: 2026-01-22. Review status: criteria provided, single submitter. Criteria: Invitae Variant Classification Sherloc (09022015). Collection method: clinical testing. Allele origin: germline.

Myriad Genetics, Inc.
Classification: Benign for Familial cancer of breast. Last evaluated: 2024-05-08. Review status: criteria provided, single submitter. Criteria: Myriad Autosomal Dominant, Autosomal Recessive and X-Linked Classification Criteria (2023). Collection method: clinical testing. Allele origin: unknown.
Comment: This variant is considered benign. This variant is a silent/synonymous amino acid change and it is not expected to impact splicing.

Department of Pathology and Laboratory Medicine, Sinai Health System
Classification: Likely benign for Familial cancer of breast. Last evaluated: 2023-11-27. Review status: criteria provided, single submitter. Criteria: ACMG Guidelines, 2015. Collection method: clinical testing. Allele origin: germline. Affected: yes.

Blueprint Genetics
Classification: Likely benign. Last evaluated: 2023-10-11. Review status: criteria provided, single submitter. Criteria: ACMG Guidelines, 2015. Collection method: clinical testing. Allele origin: germline.

Women's Health and Genetics/Laboratory Corporation of America, LabCorp
Classification: Likely benign. Last evaluated: 2022-12-15. Review status: criteria provided, single submitter. Criteria: LabCorp Variant Classification Summary - May 2015. Collection method: clinical testing. Allele origin: germline.

Sema4
Classification: Likely benign for Hereditary cancer-predisposing syndrome. Last evaluated: 2021-09-10. Review status: criteria provided, single submitter. Criteria: Sema4 Curation Guidelines. Collection method: curation. Allele origin: germline.

CHEO Genetics Diagnostic Laboratory, Children's Hospital of Eastern Ontario
Classification: Likely benign for Breast and/or ovarian cancer. Last evaluated: 2021-04-28. Review status: criteria provided, single submitter. Criteria: ACMG Guidelines, 2015. Collection method: clinical testing. Allele origin: germline.

Institute for Biomarker Research, Medical Diagnostic Laboratories, L.L.C.
Classification: Likely benign for Hereditary cancer-predisposing syndrome. Last evaluated: 2017-07-12. Review status: criteria provided, single submitter. Criteria: ACMG Guidelines, 2015. Collection method: clinical testing. Allele origin: germline.

Eurofins Ntd Llc (ga)
Classification: Uncertain significance. Last evaluated: 2017-01-20. Review status: criteria provided, single submitter. Criteria: EGL Classification Definitions 2015. Collection method: clinical testing. Allele origin: germline. Observed: 1 variant allele, 1 heterozygote.

Color Diagnostics, LLC DBA Color Health
Classification: Likely benign for Hereditary cancer-predisposing syndrome. Last evaluated: 2015-12-08. Review status: criteria provided, single submitter. Criteria: ACMG Guidelines, 2015. Collection method: clinical testing. Allele origin: germline.

Ambry Genetics
Classification: Likely benign for Hereditary cancer-predisposing syndrome. Last evaluated: 2015-01-09. Review status: criteria provided, single submitter. Criteria: Ambry Variant Classification Scheme 2023. Collection method: clinical testing. Allele origin: germline.

GeneDx
Classification: Benign. Last evaluated: 2014-09-03. Review status: criteria provided, single submitter. Criteria: GeneDx Variant Classification (06012015). Collection method: clinical testing. Allele origin: germline. Affected: yes.
Comment: This variant is considered likely benign or benign based on one or more of the following criteria: it is a conservative change, it occurs at a poorly conserved position in the protein, it is predicted to be benign by multiple in silico algorithms, and/or has population frequency not consistent with disease.

Natera, Inc.
Classification: Likely benign for Ataxia-telangiectasia. Last evaluated: 2020-02-11. Review status: no assertion criteria provided. Collection method: clinical testing. Allele origin: germline. Not counted in ClinVar's aggregate classification.

PreventionGenetics, part of Exact Sciences
Classification: Likely benign for ATM-related condition. Last evaluated: 2019-04-01. Review status: no assertion criteria provided. Collection method: clinical testing. Allele origin: germline. Not counted in ClinVar's aggregate classification.
Comment: This variant is classified as likely benign based on ACMG/AMP sequence variant interpretation guidelines (Richards et al. 2015 PMID: 25741868, with internal and published modifications).

True Health Diagnostics
Classification: Likely benign for Hereditary cancer-predisposing syndrome. Last evaluated: 2018-04-06. Review status: no assertion criteria provided. Collection method: clinical testing. Allele origin: germline. Not counted in ClinVar's aggregate classification.

NM_000051.4(ATM):c.2346A>G (p.Leu782=)

Gene: ATM (ATM serine/threonine kinase; plus strand). Cytogenetic location: 11q22.3.
Variant type: single nucleotide variant.
Coding change: c.2346A>G on transcript NM_000051.4 (MANE Select); coding-DNA position 2346, A replaced by G.
Protein change: p.Leu782=; no amino-acid change (leucine 782 retained).
Molecular consequence: synonymous variant.
Genome position (GRCh38, 1-based): chr11:108,257,576, A>G. VCF-style: chr11-108257576-A-G. GRCh37 (hg19) VCF-style: chr11-108128303-A-G.
Other names: p.L782L:CTA>CTG; c.2346A>G, p.Leu782= (NM_001351834.2).
Identifiers: ClinVar variation 181852 (VCV000181852.35), dbSNP rs730881285, ClinGen allele CA297990.